The following is an entry in ClinVar:

ClinVar aggregate classification (germline): Uncertain significance (1 of 4 stars; one submission).

Submission:

Labcorp Genetics (formerly Invitae), Labcorp
Classification: Uncertain significance. Last evaluated: 2022-05-15. Review status: criteria provided, single submitter. Criteria: Invitae Variant Classification Sherloc (09022015). Collection method: clinical testing. Allele origin: germline.
Comment: This sequence change replaces tyrosine, which is neutral and polar, with phenylalanine, which is neutral and non-polar, at codon 168 of the PBX1 protein (p.Tyr168Phe). This variant is not present in population databases (gnomAD no frequency). This variant has not been reported in the literature in individuals affected with PBX1-related conditions. Algorithms developed to predict the effect of missense changes on protein structure and function are either unavailable or do not agree on the potential impact of this missense change (SIFT: "Tolerated"; PolyPhen-2: "Probably Damaging"; Align-GVGD: "Class C0"). In summary, the available evidence is currently insufficient to determine the role of this variant in disease. Therefore, it has been classified as a Variant of Uncertain Significance.

NM_002585.4(PBX1):c.503A>T (p.Tyr168Phe)

Gene: PBX1 (PBX homeobox 1; plus strand). Cytogenetic location: 1q23.3.
Variant type: single nucleotide variant.
Coding change: c.503A>T on transcript NM_002585.4 (MANE Select); coding-DNA position 503, A replaced by T.
Protein change: p.Tyr168Phe; replaces tyrosine 168 with phenylalanine.
Molecular consequence: missense variant.
Genome position (GRCh38, 1-based): chr1:164,792,731, A>T. VCF-style: chr1-164792731-A-T. GRCh37 (hg19) VCF-style: chr1-164761968-A-T.
Other names: c.503A>T, p.Tyr168Phe (NM_001204961.2, NM_001204963.2, NM_001353131.2); c.254A>T, p.Tyr85Phe (NM_001353130.1); short protein forms Y168F, Y85F.
Identifiers: ClinVar variation 1994821 (VCV001994821.4), dbSNP rs2526766077, ClinGen allele CA343470304.